The following is an entry in ClinVar:

NM_000038.6(APC):c.4687C>T (p.Leu1563=)

Gene: APC (APC regulator of Wnt signaling pathway; plus strand). Cytogenetic location: 5q22.2.
Variant type: single nucleotide variant.
Coding change: c.4687C>T on transcript NM_000038.6 (MANE Select); coding-DNA position 4687, C replaced by T.
Protein change: p.Leu1563=; no amino-acid change (leucine 1563 retained).
Molecular consequence: synonymous variant. On other transcripts: non-coding transcript variant (2).
Genome position (GRCh38, 1-based): chr5:112,840,281, C>T. VCF-style: chr5-112840281-C-T. GRCh37 (hg19) VCF-style: chr5-112175978-C-T.
Other names: c.4687C>T, p.Leu1563= (NM_001127510.3, NM_001354895.2, NM_001407450.1); c.4633C>T, p.Leu1545= (NM_001127511.3); c.4741C>T, p.Leu1581= (NM_001354896.2, NM_001407447.1, NM_001407448.1 and 1 more transcripts); c.4717C>T, p.Leu1573= (NM_001354897.2); c.4612C>T, p.Leu1538= (NM_001354898.2); c.4603C>T, p.Leu1535= (NM_001354899.2); c.4564C>T, p.Leu1522= (NM_001354900.2); c.4510C>T, p.Leu1504= (NM_001354901.2, NM_001407453.1); and 11 more.
Identifiers: ClinVar variation 1742423 (VCV001742423.7), dbSNP rs1554086098, ClinGen allele CA446206671.
Genomic context (GRCh38, chr5:112,840,281, plus strand): 5'-AAAGAATCAAATGAAAACCAAGAGAAAGAGGCAGAAAAAACTATTGATTCTGAAAAGGAC[C>T]TATTAGATGATTCAGATGATGATGATATTGAAATACTAGAAGAATGTATTATTTCTGCCA-3'
Protein context (NP_000029.2, residues 1553-1573): AEKTIDSEKD[Leu1563=]LDDSDDDDIE

ClinVar aggregate classification (germline): Benign/Likely benign. Review status: criteria provided, multiple submitters, no conflicts (2 of 4 stars). 3 submissions from 3 submitters: Benign (1); Likely benign (2). Last evaluated 2024-03-27.

Conditions:
Hereditary cancer-predisposing syndrome. Also called: Hereditary Cancer Syndrome; Hereditary neoplastic syndrome; Neoplastic Syndromes, Hereditary; Tumor predisposition. Identifiers: Orphanet 140162, MedGen C0027672, MeSH D009386, MONDO:0015356.
Familial adenomatous polyposis 1 (FAP1). Also called: FAMILIAL ADENOMATOUS POLYPOSIS 1, ATTENUATED; POLYPOSIS, ADENOMATOUS INTESTINAL. Identifiers: MedGen C2713442, MONDO:0021056, OMIM 175100. Disease mechanism: loss of function.

Submissions (3):

Myriad Genetics, Inc.
Classification: Benign for Familial adenomatous polyposis 1. Last evaluated: 2024-03-27. Review status: criteria provided, single submitter. Criteria: Myriad Autosomal Dominant, Autosomal Recessive and X-Linked Classification Criteria (2023). Collection method: clinical testing. Allele origin: unknown.
Comment: This variant is considered benign. This variant is a silent/synonymous amino acid change and it is not expected to impact splicing.

Labcorp Genetics (formerly Invitae), Labcorp
Classification: Likely benign for Familial adenomatous polyposis 1. Last evaluated: 2022-08-04. Review status: criteria provided, single submitter. Criteria: Invitae Variant Classification Sherloc (09022015). Collection method: clinical testing. Allele origin: germline.

Ambry Genetics
Classification: Likely benign for Hereditary cancer-predisposing syndrome. Last evaluated: 2021-02-07. Review status: criteria provided, single submitter. Criteria: Ambry Variant Classification Scheme 2023. Collection method: clinical testing. Allele origin: germline.